The following is an entry in ClinVar:

NM_001939.3(DRP2):c.1533A>G (p.Lys511=)

Gene: DRP2 (dystrophin related protein 2; plus strand). Cytogenetic location: Xq22.1.
Variant type: single nucleotide variant.
Coding change: c.1533A>G on transcript NM_001939.3 (MANE Select); coding-DNA position 1533, A replaced by G.
Protein change: p.Lys511=; no amino-acid change (lysine 511 retained).
Molecular consequence: synonymous variant.
Genome position (GRCh38, 1-based): chrX:101,248,592, A>G. VCF-style: chrX-101248592-A-G. GRCh37 (hg19) VCF-style: chrX-100503581-A-G.
Other names: c.1299A>G, p.Lys433= (NM_001171184.2); c.1533A>G (NM_001939.2).
Identifiers: ClinVar variation 1566426 (VCV001566426.34), dbSNP rs201649915, ClinGen allele CA10472287.

ClinVar aggregate classification (germline): Benign/Likely benign. Review status: criteria provided, multiple submitters, no conflicts (2 of 4 stars). 4 submissions from 4 submitters: Benign (1); Likely benign (2). 1 of the submissions does not count toward it. Last evaluated 2026-02-03.

Conditions:
DRP2-related disorder. Also called: DRP2-related condition.

Allele frequency attached by ClinVar (database versions not stated): ESP Exome Variant Server 0.00028; ExAC 0.00031; 1000 Genomes Project 30x 0.00042; gnomAD exomes 0.00042 and 0.00065; gnomAD 0.00047 and 0.00050; 1000 Genomes Project 0.00053; TOPMed 0.00066.
gnomAD v4.1: 771 of 1,208,905 alleles (0.064%); highest among the groups gnomAD compares: Admixed American, 0.13%; no homozygotes.

Submissions (4):

Women's Health and Genetics/Laboratory Corporation of America, LabCorp
Classification: Likely benign. Last evaluated: 2026-02-03. Review status: criteria provided, single submitter. Criteria: LabCorp Variant Classification Summary - May 2015. Collection method: clinical testing. Allele origin: germline.

Labcorp Genetics (formerly Invitae), Labcorp
Classification: Benign. Last evaluated: 2026-01-09. Review status: criteria provided, single submitter. Criteria: Invitae Variant Classification Sherloc (09022015). Collection method: clinical testing. Allele origin: germline.

CeGaT Center for Human Genetics Tuebingen
Classification: Likely benign. Last evaluated: 2024-06-01. Review status: criteria provided, single submitter. Criteria: CeGaT Center For Human Genetics Tuebingen Variant Classification Criteria Version 2. Collection method: clinical testing. Allele origin: germline. Affected: yes. Observed: 2 variant alleles.
Comment: DRP2: BP4, BP7, BS2

PreventionGenetics, part of Exact Sciences
Classification: Likely benign for DRP2-related condition. Last evaluated: 2019-03-27. Review status: no assertion criteria provided. Collection method: clinical testing. Allele origin: germline. Not counted in ClinVar's aggregate classification.
Comment: This variant is classified as likely benign based on ACMG/AMP sequence variant interpretation guidelines (Richards et al. 2015 PMID: 25741868, with internal and published modifications).